The following is an entry in ClinVar:

ClinVar aggregate classification (germline): Uncertain significance (1 of 4 stars; one submission).

Submission:

Labcorp Genetics (formerly Invitae), Labcorp
Classification: Uncertain significance. Last evaluated: 2022-09-13. Review status: criteria provided, single submitter. Criteria: Invitae Variant Classification Sherloc (09022015). Collection method: clinical testing. Allele origin: germline.
Comment: In summary, the available evidence is currently insufficient to determine the role of this variant in disease. Therefore, it has been classified as a Variant of Uncertain Significance. Algorithms developed to predict the effect of missense changes on protein structure and function (SIFT, PolyPhen-2, Align-GVGD) all suggest that this variant is likely to be tolerated. This variant has not been reported in the literature in individuals affected with ANKZF1-related conditions. This variant is present in population databases (no rsID available, gnomAD 0.006%). This sequence change replaces glutamine, which is neutral and polar, with histidine, which is basic and polar, at codon 85 of the ANKZF1 protein (p.Gln85His).

NM_018089.3(ANKZF1):c.255A>C (p.Gln85His)

Gene: ANKZF1 (ankyrin repeat and zinc finger peptidyl tRNA hydrolase 1; plus strand). Cytogenetic location: 2q35.
Variant type: single nucleotide variant.
Coding change: c.255A>C on transcript NM_018089.3 (MANE Select); coding-DNA position 255, A replaced by C.
Protein change: p.Gln85His; replaces glutamine 85 with histidine.
Molecular consequence: missense variant. On other transcripts: intron variant (1).
Genome position (GRCh38, 1-based): chr2:219,232,034, A>C. VCF-style: chr2-219232034-A-C. GRCh37 (hg19) VCF-style: chr2-220096756-A-C.
Other names: c.255A>C, p.Gln85His (NM_001042410.2); c.-266-456A>C (NM_001282792.2); short protein forms Q85H.
Identifiers: ClinVar variation 2098805 (VCV002098805.4), dbSNP rs1452557412, ClinGen allele CA350672508.